The following is an entry in ClinVar:

ClinVar aggregate classification (germline): Pathogenic/Likely pathogenic. Review status: criteria provided, multiple submitters, no conflicts (2 of 4 stars). 4 submissions from 4 submitters: Pathogenic (2); Likely pathogenic (2). Last evaluated 2025-10-15.

Conditions:
TALDO1-related disorder. Also called: TALDO1-related condition.
Deficiency of transaldolase. Also called: EYAID SYNDROME. Identifiers: Orphanet 101028, MedGen C1291329, MONDO:0011624, OMIM 606003.

Allele frequency attached by ClinVar (database versions not stated): gnomAD exomes 0.00001 and 0.00002; ExAC 0.00002; TOPMed 0.00002; gnomAD 0.00003; ESP Exome Variant Server 0.00008.
gnomAD v4.1: 29 of 1,613,488 alleles (0.0018%); highest among the groups gnomAD compares: South Asian, 0.0033%; no homozygotes.

Submissions (4):

PreventionGenetics, part of Exact Sciences
Classification: Likely pathogenic for TALDO1-related condition. Last evaluated: 2025-10-15. Review status: criteria provided, single submitter. Criteria: ACMG Guidelines, 2015. Collection method: clinical testing. Allele origin: germline.
Comment: The TALDO1 c.575G>A variant is predicted to result in the amino acid substitution p.Arg192His. This variant has been reported in the homozygous and compound heterozygous state in individuals with transaldolase deficiency (Verhoeven et al. 2005. PubMed ID: 15877206; Tylki-Szymanska et al. 2014. PubMed ID: 24497183; Lipiński et al. 2018. PubMed ID: 29292491). This variant is reported in 0.0018% of alleles in individuals of European (Non-Finnish) descent in gnomAD. An alternative missense variant at this amino acid position described as p.Arg192Cys has also been reported in the homozygous state in individuals with transaldolase deficiency (Wamelink et al. 2008. PubMed ID: 18331807; Al-Shamsi et al. 2015. PubMed ID: 25388407; Rodan and Berry. 2017. PubMed ID: 27130472). Based on the available evidence, the c.575G>A (p.Arg192His) variant is interpreted as likely pathogenic.

Labcorp Genetics (formerly Invitae), Labcorp
Classification: Pathogenic. Last evaluated: 2025-09-21. Review status: criteria provided, single submitter. Criteria: Invitae Variant Classification Sherloc (09022015). Collection method: clinical testing. Allele origin: germline.
Comment: This sequence change replaces arginine, which is basic and polar, with histidine, which is basic and polar, at codon 192 of the TALDO1 protein (p.Arg192His). This variant is present in population databases (rs151052416, gnomAD 0.002%). This missense change has been observed in individual(s) with transaldolase deficiency (PMID: 15877206, 18331807, 24497183, 29292491). ClinVar contains an entry for this variant (Variation ID: 420180). Invitae Evidence Modeling of protein sequence and biophysical properties (such as structural, functional, and spatial information, amino acid conservation, physicochemical variation, residue mobility, and thermodynamic stability) indicates that this missense variant is expected to disrupt TALDO1 protein function with a positive predictive value of 80%. For these reasons, this variant has been classified as Pathogenic.

Greenwood Genetic Center Diagnostic Laboratories, Greenwood Genetic Center
Classification: Pathogenic for Deficiency of transaldolase. Last evaluated: 2025-04-14. Review status: criteria provided, single submitter. Criteria: ACMG Guidelines, 2015. Collection method: clinical testing. Allele origin: germline. Affected: yes.
Comment: PS3, PM2, PM3_Strong, PM5_Supporting, PP3

GeneDx
Classification: Likely pathogenic. Last evaluated: 2022-10-13. Review status: criteria provided, single submitter. Criteria: GeneDx Variant Classification Process June 2021. Collection method: clinical testing. Allele origin: germline. Affected: yes.
Comment: Not observed at significant frequency in large population cohorts (gnomAD); In silico analysis supports that this missense variant has a deleterious effect on protein structure/function; This variant is associated with the following publications: (PMID: 15877206, 34426522, 34572178, 29292491, 24497183)

Literature cited by the submitters: PubMed 15877206 (cited by Labcorp Genetics (formerly Invitae), Labcorp); PubMed 18331807 (cited by Labcorp Genetics (formerly Invitae), Labcorp); PubMed 24497183 (cited by Labcorp Genetics (formerly Invitae), Labcorp); PubMed 29292491 (cited by Labcorp Genetics (formerly Invitae), Labcorp).

NM_006755.2(TALDO1):c.575G>A (p.Arg192His)

Genes: TALDO1 (transaldolase 1; plus strand), LOC126861110 (CDK7 strongly-dependent group 2 enhancer GRCh37_chr11:762588-763787; plus strand). Cytogenetic location: 11p15.5.
Variant type: single nucleotide variant.
Coding change: c.575G>A on transcript NM_006755.2 (MANE Select); coding-DNA position 575, G replaced by A.
Protein change: p.Arg192His; replaces arginine 192 with histidine.
Molecular consequence: missense variant.
Genome position (GRCh38, 1-based): chr11:763,457, G>A. VCF-style: chr11-763457-G-A. GRCh37 (hg19) VCF-style: chr11-763457-G-A.
Other names: short protein forms R192H.
Identifiers: ClinVar variation 420180 (VCV000420180.15), dbSNP rs151052416, ClinGen allele CA5788215.